The following is an entry in ClinVar:

NM_032380.5(GFM2):c.1896C>A (p.His632Gln)

Gene: GFM2 (GTP dependent ribosome recycling factor mitochondrial 2; minus strand). Cytogenetic location: 5q13.3.
Variant type: single nucleotide variant.
Coding change: c.1896C>A on transcript NM_032380.5 (MANE Select); coding-DNA position 1896, C replaced by A.
Protein change: p.His632Gln; replaces histidine 632 with glutamine.
Molecular consequence: missense variant. On other transcripts: non-coding transcript variant (1).
Genome position (GRCh38, 1-based): chr5:74,725,957, G>T on the plus strand (C>A on the coding strand, the complement: GFM2 is on the minus strand). VCF-style: chr5-74725957-G-T. GRCh37 (hg19) VCF-style: chr5-74021782-G-T.
Other names: c.1992C>A, p.His664Gln (NM_001281302.2); c.1755C>A, p.His585Gln (NM_170691.3); short protein forms H585Q, H664Q, H632Q.
Identifiers: ClinVar variation 1956791 (VCV001956791.5), dbSNP rs757369852, ClinGen allele CA360076567.

ClinVar aggregate classification (germline): Uncertain significance (1 of 4 stars; one submission).

Submission:

Labcorp Genetics (formerly Invitae), Labcorp
Classification: Uncertain significance. Last evaluated: 2022-03-24. Review status: criteria provided, single submitter. Criteria: Invitae Variant Classification Sherloc (09022015). Collection method: clinical testing. Allele origin: germline.
Comment: In summary, the available evidence is currently insufficient to determine the role of this variant in disease. Therefore, it has been classified as a Variant of Uncertain Significance. Algorithms developed to predict the effect of missense changes on protein structure and function (SIFT, PolyPhen-2, Align-GVGD) all suggest that this variant is likely to be tolerated. This variant has not been reported in the literature in individuals affected with GFM2-related conditions. This variant is not present in population databases (gnomAD no frequency). This sequence change replaces histidine, which is basic and polar, with glutamine, which is neutral and polar, at codon 632 of the GFM2 protein (p.His632Gln).